The following is an entry in ClinVar:

ClinVar aggregate classification (germline): Uncertain significance (1 of 4 stars; one submission).

Conditions:
Autosomal dominant polycystic kidney disease. Identifiers: Orphanet 730, MedGen C0085413, MONDO:0004691.

gnomAD v4.1: 1 of 1,518,574 alleles (0.000066%); highest among the groups gnomAD compares: Non-Finnish European, 0.000091%; no homozygotes.

Submission:

Labcorp Genetics (formerly Invitae), Labcorp
Classification: Uncertain significance for Autosomal dominant polycystic kidney disease. Last evaluated: 2024-05-07. Review status: criteria provided, single submitter. Criteria: Invitae Variant Classification Sherloc (09022015). Collection method: clinical testing. Allele origin: germline.
Comment: This sequence change replaces alanine, which is neutral and non-polar, with serine, which is neutral and polar, at codon 678 of the PKD2 protein (p.Ala678Ser). This variant is not present in population databases (gnomAD no frequency). This variant has not been reported in the literature in individuals affected with PKD2-related conditions. Advanced modeling of protein sequence and biophysical properties (such as structural, functional, and spatial information, amino acid conservation, physicochemical variation, residue mobility, and thermodynamic stability) performed at Invitae indicates that this missense variant is expected to disrupt PKD2 protein function with a positive predictive value of 80%. In summary, the available evidence is currently insufficient to determine the role of this variant in disease. Therefore, it has been classified as a Variant of Uncertain Significance.

NM_000297.4(PKD2):c.2032G>T (p.Ala678Ser)

Gene: PKD2 (polycystin 2, transient receptor potential cation channel; plus strand). Cytogenetic location: 4q22.1.
Variant type: single nucleotide variant.
Coding change: c.2032G>T on transcript NM_000297.4 (MANE Select); coding-DNA position 2032, G replaced by T.
Protein change: p.Ala678Ser; replaces alanine 678 with serine.
Molecular consequence: missense variant. On other transcripts: non-coding transcript variant (1).
Genome position (GRCh38, 1-based): chr4:88,061,918, G>T. VCF-style: chr4-88061918-G-T. GRCh37 (hg19) VCF-style: chr4-88983070-G-T.
Other names: short protein forms A678S.
Identifiers: ClinVar variation 3702940 (VCV003702940.2).